The following is an entry in ClinVar:

NM_001034173.4(ALDH1L2):c.398C>A (p.Pro133His)

Gene: ALDH1L2 (aldehyde dehydrogenase 1 family member L2; minus strand). Cytogenetic location: 12q23.3.
Variant type: single nucleotide variant.
Coding change: c.398C>A on transcript NM_001034173.4 (MANE Select); coding-DNA position 398, C replaced by A.
Protein change: p.Pro133His; replaces proline 133 with histidine.
Molecular consequence: missense variant. On other transcripts: non-coding transcript variant (1).
Genome position (GRCh38, 1-based): chr12:105,070,600, G>T on the plus strand (C>A on the coding strand, the complement: ALDH1L2 is on the minus strand). VCF-style: chr12-105070600-G-T. GRCh37 (hg19) VCF-style: chr12-105464378-G-T.
Other names: short protein forms P133H.
Identifiers: ClinVar variation 3062362 (VCV003062362.1), dbSNP rs2502301063, ClinGen allele CA386372200.

ClinVar aggregate classification (germline): Uncertain significance (1 of 4 stars; one submission).

Conditions:
Neurodevelopmental disorder. Identifiers: MedGen C1535926, MeSH D065886, MONDO:0700092.

Submission:

SIB Swiss Institute of Bioinformatics
Classification: Uncertain significance for Neurodevelopmental disorder. Last evaluated: 2024-03-21. Review status: criteria provided, single submitter. Criteria: ACMG Guidelines, 2015. Collection method: curation. Allele origin: germline. Affected: yes.
Comment: This variant is interpreted for neurodevelopmental disorder, autosomal recessive. The following ACMG Tag(s) were applied: Absent from controls (or at extremely low frequency if recessive) in Exome Sequencing Project, 1000 Genomes Project, or Exome Aggregation Consortium (PM2); Multiple lines of computational evidence support a deleterious effect on the gene or gene product (PP3); Well-established functional studies show a deleterious effect (PS3-supporting).

Literature cited by the submitters: PubMed 38193334.